The following is an entry in ClinVar:

ClinVar aggregate classification (germline): Uncertain significance. Review status: criteria provided, multiple submitters, no conflicts (2 of 4 stars). 3 submissions from 3 submitters: Uncertain significance (3). Last evaluated 2025-02-19.

Conditions:
CFB-related disorder. Also called: CFB-related condition; CFB-related disorders.
Inborn genetic diseases. Identifiers: MedGen C0950123, MeSH D030342.

Allele frequency attached by ClinVar (database versions not stated): gnomAD exomes 0.00001 and 0.00002; ExAC 0.00003; gnomAD 0.00015 and 0.00017; TOPMed 0.00021; ESP Exome Variant Server 0.00024.
gnomAD v4.1: 40 of 1,612,928 alleles (0.0025%); highest among the groups gnomAD compares: African/African-American, 0.047%; no homozygotes.

Submissions (3):

PreventionGenetics, part of Exact Sciences
Classification: Uncertain significance for CFB-related condition. Last evaluated: 2025-02-19. Review status: criteria provided, single submitter. Criteria: ACMG Guidelines, 2015. Collection method: clinical testing. Allele origin: germline.
Comment: The CFB c.1043A>T variant is predicted to result in the amino acid substitution p.Lys348Met. To our knowledge, this variant has not been reported in the literature. This variant is reported in 0.046% of alleles in individuals of African descent in gnomAD. At this time, the clinical significance of this variant is uncertain due to the absence of conclusive functional and genetic evidence.

Ambry Genetics
Classification: Uncertain significance for Inborn genetic diseases. Last evaluated: 2024-12-04. Review status: criteria provided, single submitter. Criteria: Ambry Variant Classification Scheme 2023. Collection method: clinical testing. Allele origin: germline.

Labcorp Genetics (formerly Invitae), Labcorp
Classification: Uncertain significance. Last evaluated: 2024-02-24. Review status: criteria provided, single submitter. Criteria: Invitae Variant Classification Sherloc (09022015). Collection method: clinical testing. Allele origin: germline.
Comment: This sequence change replaces lysine, which is basic and polar, with methionine, which is neutral and non-polar, at codon 348 of the CFB protein (p.Lys348Met). This variant is present in population databases (rs148898364, gnomAD 0.05%). This variant has not been reported in the literature in individuals affected with CFB-related conditions. ClinVar contains an entry for this variant (Variation ID: 1472615). Advanced modeling of protein sequence and biophysical properties (such as structural, functional, and spatial information, amino acid conservation, physicochemical variation, residue mobility, and thermodynamic stability) performed at Invitae indicates that this missense variant is not expected to disrupt CFB protein function with a negative predictive value of 80%. In summary, the available evidence is currently insufficient to determine the role of this variant in disease. Therefore, it has been classified as a Variant of Uncertain Significance.

NM_001710.6(CFB):c.1043A>T (p.Lys348Met)

Gene: CFB (complement factor B; plus strand). Cytogenetic location: 6p21.33.
Variant type: single nucleotide variant.
Coding change: c.1043A>T on transcript NM_001710.6 (MANE Select); coding-DNA position 1043, A replaced by T.
Protein change: p.Lys348Met; replaces lysine 348 with methionine.
Molecular consequence: missense variant.
Genome position (GRCh38, 1-based): chr6:31,948,836, A>T. VCF-style: chr6-31948836-A-T. GRCh37 (hg19) VCF-style: chr6-31916613-A-T.
Other names: c.1043A>T (NM_001710.5); short protein forms K348M.
Identifiers: ClinVar variation 1472615 (VCV001472615.8), dbSNP rs148898364, ClinGen allele CA3728221.